The following is an entry in ClinVar:

NM_000719.7(CACNA1C):c.6319C>T (p.Arg2107Ter)

Genes: CACNA1C (calcium voltage-gated channel subunit alpha1 C; plus strand), CACNA1C-AS1 (CACNA1C antisense RNA 1; minus strand). Cytogenetic location: 12p13.33.
Variant type: single nucleotide variant.
Coding change: c.6319C>T on transcript NM_000719.7 (MANE Select); coding-DNA position 6319, C replaced by T.
Protein change: p.Arg2107Ter; replaces arginine 2107 with a stop codon.
Molecular consequence: nonsense. On other transcripts: non-coding transcript variant (1).
Genome position (GRCh38, 1-based): chr12:2,691,101, C>T. VCF-style: chr12-2691101-C-T. GRCh37 (hg19) VCF-style: chr12-2800267-C-T.
Other names: c.6463C>T, p.Arg2155Ter (NM_001129827.2); c.6442C>T, p.Arg2148Ter (NM_001129829.2); c.6424C>T, p.Arg2142Ter (NM_001129830.3, NM_001167624.3); c.6403C>T, p.Arg2135Ter (NM_001129831.2); c.6379C>T, p.Arg2127Ter (NM_001129832.2); c.6376C>T, p.Arg2126Ter (NM_001129833.2, NM_001129834.2, NM_001129835.2); c.6370C>T, p.Arg2124Ter (NM_001129836.2); c.6343C>T, p.Arg2115Ter (NM_001129837.2, NM_001129838.2); and 6 more; short protein forms R2096*, R2104*, R2107*, R2113*, R2115*, R2124*, R2126*, R2127*.
Identifiers: ClinVar variation 2418676 (VCV002418676.7), dbSNP rs2535511437, ClinGen allele CA383387257.

ClinVar aggregate classification (germline): Uncertain significance (1 of 4 stars; one submission).

Conditions:
Long QT syndrome (LQTS). Identifiers: MedGen C0023976, MeSH D008133, MONDO:0002442. Disease mechanism: loss of function. Inheritance: Various modes of inheritance.

gnomAD v4.1: 1 of 1,612,040 alleles (0.000062%); highest among the groups gnomAD compares: South Asian, 0.0011%; no homozygotes.

Submission:

Labcorp Genetics (formerly Invitae), Labcorp
Classification: Uncertain significance for Long QT syndrome. Last evaluated: 2022-05-12. Review status: criteria provided, single submitter. Criteria: Invitae Variant Classification Sherloc (09022015). Collection method: clinical testing. Allele origin: germline.
Comment: In summary, the available evidence is currently insufficient to determine the role of this variant in disease. Therefore, it has been classified as a Variant of Uncertain Significance. Experimental studies and prediction algorithms are not available or were not evaluated, and the functional significance of this variant is currently unknown. This variant has not been reported in the literature in individuals affected with CACNA1C-related conditions. This variant is not present in population databases (gnomAD no frequency). This sequence change creates a premature translational stop signal (p.Arg2107*) in the CACNA1C gene. While this is not anticipated to result in nonsense mediated decay, it is expected to disrupt the last 32 amino acid(s) of the CACNA1C protein.